The following is an entry in ClinVar:

NM_000051.4(ATM):c.3266C>G (p.Ala1089Gly)

Gene: ATM (ATM serine/threonine kinase; plus strand). Cytogenetic location: 11q22.3.
Variant type: single nucleotide variant.
Coding change: c.3266C>G on transcript NM_000051.4 (MANE Select); coding-DNA position 3266, C replaced by G.
Protein change: p.Ala1089Gly; replaces alanine 1089 with glycine.
Molecular consequence: missense variant.
Genome position (GRCh38, 1-based): chr11:108,272,834, C>G. VCF-style: chr11-108272834-C-G. GRCh37 (hg19) VCF-style: chr11-108143561-C-G.
Other names: c.3266C>G, p.Ala1089Gly (NM_001351834.2); short protein forms A1089G.
Identifiers: ClinVar variation 3720446 (VCV003720446.2).

ClinVar aggregate classification (germline): Uncertain significance (1 of 4 stars; one submission).

Conditions:
Ataxia-telangiectasia syndrome (AT). Also called: ATAXIA-TELANGIECTASIA, COMPLEMENTATION GROUP A; ATAXIA-TELANGIECTASIA, FRESNO VARIANT; Ataxia-telangiectasia; Ataxia-telangiectasia, complementation group E; Ataxia telangiectasia (A-T); LOUIS-BAR SYNDROME. Identifiers: Orphanet 100, MedGen C0004135, MONDO:0008840, OMIM 208900.

Submission:

Labcorp Genetics (formerly Invitae), Labcorp
Classification: Uncertain significance for Ataxia-telangiectasia syndrome. Last evaluated: 2024-10-02. Review status: criteria provided, single submitter. Criteria: Invitae Variant Classification Sherloc (09022015). Collection method: clinical testing. Allele origin: germline.
Comment: This sequence change replaces alanine, which is neutral and non-polar, with glycine, which is neutral and non-polar, at codon 1089 of the ATM protein (p.Ala1089Gly). This variant is not present in population databases (gnomAD no frequency). This variant has not been reported in the literature in individuals affected with ATM-related conditions. An algorithm developed to predict the effect of missense changes on protein structure and function (PolyPhen-2) suggests that this variant is likely to be tolerated. In summary, the available evidence is currently insufficient to determine the role of this variant in disease. Therefore, it has been classified as a Variant of Uncertain Significance.